The following is an entry in ClinVar:

NM_000219.6(KCNE1):c.155G>C (p.Gly52Ala)

Gene: KCNE1 (potassium voltage-gated channel subfamily E regulatory subunit 1; minus strand). Cytogenetic location: 21q22.12.
Variant type: single nucleotide variant.
Coding change: c.155G>C on transcript NM_000219.6 (MANE Select); coding-DNA position 155, G replaced by C.
Protein change: p.Gly52Ala; replaces glycine 52 with alanine.
Molecular consequence: missense variant.
Genome position (GRCh38, 1-based): chr21:34,449,480, C>G on the plus strand (G>C on the coding strand, the complement: KCNE1 is on the minus strand). VCF-style: chr21-34449480-C-G. GRCh37 (hg19) VCF-style: chr21-35821778-C-G.
Other names: c.155G>C (LRG_290t1); c.155G>C, p.Gly52Ala (NM_001127668.4, NM_001127669.4, NM_001127670.4 and 4 more transcripts); short protein forms G52A.
Identifiers: ClinVar variation 132655 (VCV000132655.4), dbSNP rs17173509, ClinGen allele CA231697.

ClinVar aggregate classification (germline): Likely pathogenic. Review status: criteria provided, single submitter (1 of 4 stars). 2 submissions from 2 submitters: Likely pathogenic (1). 1 of the submissions does not count toward it. Last evaluated 2025-11-23.

Conditions:
Long QT syndrome (LQTS). Identifiers: MedGen C0023976, MeSH D008133, MONDO:0002442. Disease mechanism: loss of function. Inheritance: Various modes of inheritance.

Submissions (3):

Labcorp Genetics (formerly Invitae), Labcorp
Classification: Likely pathogenic for Long QT syndrome. Last evaluated: 2025-11-23. Review status: criteria provided, single submitter. Criteria: Invitae Variant Classification Sherloc (09022015). Collection method: clinical testing. Allele origin: germline.
Comment: This sequence change replaces glycine, which is neutral and non-polar, with alanine, which is neutral and non-polar, at codon 52 of the KCNE1 protein (p.Gly52Ala). This variant is not present in population databases (gnomAD no frequency). This variant has not been reported in the literature in individuals affected with KCNE1-related conditions. ClinVar contains an entry for this variant (Variation ID: 132655). Invitae Evidence Modeling of protein sequence and biophysical properties (such as structural, functional, and spatial information, amino acid conservation, physicochemical variation, residue mobility, and thermodynamic stability) indicates that this missense variant is expected to disrupt KCNE1 protein function with a positive predictive value of 95%. This variant disrupts the p.Gly52 amino acid residue in KCNE1. Other variant(s) that disrupt this residue have been determined to be pathogenic (PMID: 14499862, 19907016, 27076034). This suggests that this residue is clinically significant, and that variants that disrupt this residue are likely to be disease-causing. In summary, the currently available evidence indicates that the variant is pathogenic, but additional data are needed to prove that conclusively. Therefore, this variant has been classified as Likely Pathogenic.

Cardiovascular Biomedical Research Unit, Royal Brompton & Harefield NHS Foundation Trust
No classification provided. Review status: no classification provided. Collection method: literature only. Allele origin: germline. Not counted in ClinVar's aggregate classification.
Comment: This variant has been reported in the following publications (PMID:14661677).

Roden Lab, Vanderbilt University Medical Center
No classification provided (evidence only). Condition: Long QT syndrome 5. Review status: no classification provided. Collection method: in vitro. Allele origin: not applicable. Functional consequence: Effect on ion channel function. Not counted in ClinVar's aggregate classification.
ClinVar note: "not provided" was previously submitted as the classification for the variant. However, the classification appeared to be based only on an observation of functional data so it was converted to no classification on 2025-07-30.

Literature cited by the submitters: PubMed 14499862 (cited by Labcorp Genetics (formerly Invitae), Labcorp); PubMed 19907016 (cited by Labcorp Genetics (formerly Invitae), Labcorp); PubMed 27076034 (cited by Labcorp Genetics (formerly Invitae), Labcorp); PubMed 14661677 (cited by Cardiovascular Biomedical Research Unit, Royal Brompton & Harefield NHS Foundation Trust); PubMed 22581653 (cited by Cardiovascular Biomedical Research Unit, Royal Brompton & Harefield NHS Foundation Trust).